The following is an entry in ClinVar:

NM_000548.5(TSC2):c.3406G>A (p.Gly1136Ser)

Gene: TSC2 (TSC complex subunit 2; plus strand). Cytogenetic location: 16p13.3.
Variant type: single nucleotide variant.
Coding change: c.3406G>A on transcript NM_000548.5 (MANE Select); coding-DNA position 3406, G replaced by A.
Protein change: p.Gly1136Ser; replaces glycine 1136 with serine.
Molecular consequence: missense variant.
Genome position (GRCh38, 1-based): chr16:2,080,173, G>A. VCF-style: chr16-2080173-G-A. GRCh37 (hg19) VCF-style: chr16-2130174-G-A.
Other names: c.3274G>A, p.Gly1092Ser (NM_001077183.3, NM_001370404.1); c.3406G>A, p.Gly1136Ser (NM_001114382.3); c.3166G>A, p.Gly1056Ser (NM_001318827.2); c.3130G>A, p.Gly1044Ser (NM_001318829.2); c.2674G>A, p.Gly892Ser (NM_001318831.2); c.3307G>A, p.Gly1103Ser (NM_001318832.2); c.3277G>A, p.Gly1093Ser (NM_001363528.2, NM_001370405.1, NM_021055.3); short protein forms G1044S, G1056S, G1092S, G1093S, G1103S, G1136S, G892S.
Identifiers: ClinVar variation 1019343 (VCV001019343.13), dbSNP rs2089953185, ClinGen allele CA394288390.

ClinVar aggregate classification (germline): Uncertain significance. Review status: criteria provided, multiple submitters, no conflicts (2 of 4 stars). 3 submissions from 3 submitters: Uncertain significance (3). Last evaluated 2025-12-09.

Conditions:
Tuberous sclerosis 2 (TSC2). Identifiers: Orphanet 805, MedGen C1860707, MONDO:0013199, OMIM 613254.
Lymphangiomyomatosis (LAM). Also called: Lymphangioleiomyomatosis; Lymphangioleiomyomatosis, somatic. Identifiers: Orphanet 538, MedGen C0751674, MONDO:0011705, OMIM 606690.
Isolated focal cortical dysplasia type II (FCORD2). Also called: Focal cortical dysplasia type II; CORTICAL DYSPLASIA OF TAYLOR. Identifiers: Orphanet 268994, MedGen C1846385, MONDO:0011818, OMIM 607341, HP:0032051.
Hereditary cancer-predisposing syndrome. Also called: Tumor predisposition; Hereditary Cancer Syndrome; Neoplastic Syndromes, Hereditary; Hereditary neoplastic syndrome. Identifiers: Orphanet 140162, MedGen C0027672, MeSH D009386, MONDO:0015356.

Allele frequency attached by ClinVar (database versions not stated): gnomAD exomes below 0.00001.
gnomAD v4.1: 2 of 1,612,950 alleles (0.00012%); highest among the groups gnomAD compares: Non-Finnish European, 0.00017%; no homozygotes.

Submissions (3):

Ambry Genetics
Classification: Uncertain significance for Hereditary cancer-predisposing syndrome. Last evaluated: 2025-12-09. Review status: criteria provided, single submitter. Criteria: Ambry Variant Classification Scheme 2023. Collection method: clinical testing. Allele origin: germline.
Comment: The p.G1136S variant (also known as c.3406G>A), located in coding exon 29 of the TSC2 gene, results from a G to A substitution at nucleotide position 3406. The glycine at codon 1136 is replaced by serine, an amino acid with similar properties. This amino acid position is not well conserved in available vertebrate species. In addition, the in silico prediction for this alteration is inconclusive. Based on the available evidence, the clinical significance of this variant remains unclear.

Fulgent Genetics
Classification: Uncertain significance for Lymphangiomyomatosis; Isolated focal cortical dysplasia type II; Tuberous sclerosis 2. Last evaluated: 2024-03-19. Review status: criteria provided, single submitter. Criteria: ACMG Guidelines, 2015. Collection method: clinical testing. Allele origin: germline.

Labcorp Genetics (formerly Invitae), Labcorp
Classification: Uncertain significance for Tuberous sclerosis 2. Last evaluated: 2020-11-06. Review status: criteria provided, single submitter. Criteria: Invitae Variant Classification Sherloc (09022015). Collection method: clinical testing. Allele origin: germline.
Comment: In summary, the available evidence is currently insufficient to determine the role of this variant in disease. Therefore, it has been classified as a Variant of Uncertain Significance. Algorithms developed to predict the effect of missense changes on protein structure and function (SIFT, PolyPhen-2, Align-GVGD) all suggest that this variant is likely to be tolerated, but these predictions have not been confirmed by published functional studies and their clinical significance is uncertain. This variant has not been reported in the literature in individuals with TSC2-related disease. This variant is not present in population databases (ExAC no frequency). This sequence change replaces glycine with serine at codon 1136 of the TSC2 protein (p.Gly1136Ser). The glycine residue is weakly conserved and there is a small physicochemical difference between glycine and serine.